The following is an entry in ClinVar:

ClinVar aggregate classification (germline): Uncertain significance (1 of 4 stars; one submission).

Conditions:
Ectodermal dysplasia and immunodeficiency 2. Identifiers: Orphanet 238468, Orphanet 98813, MedGen C2677481, MONDO:0012806, OMIM 612132.

Allele frequency attached by ClinVar (database versions not stated): TOPMed below 0.00001; gnomAD 0.00001; gnomAD exomes 0.00001.
gnomAD v4.1: 12 of 1,614,080 alleles (0.00074%); highest among the groups gnomAD compares: Non-Finnish European, 0.00093%; no homozygotes.

Submission:

Labcorp Genetics (formerly Invitae), Labcorp
Classification: Uncertain significance for Ectodermal dysplasia and immunodeficiency 2. Last evaluated: 2025-06-05. Review status: criteria provided, single submitter. Criteria: Invitae Variant Classification Sherloc (09022015). Collection method: clinical testing. Allele origin: germline.
Comment: This sequence change replaces tyrosine, which is neutral and polar, with cysteine, which is neutral and slightly polar, at codon 251 of the NFKBIA protein (p.Tyr251Cys). This variant is present in population databases (no rsID available, gnomAD 0.002%). This variant has not been reported in the literature in individuals affected with NFKBIA-related conditions. ClinVar contains an entry for this variant (Variation ID: 2141964). An algorithm developed to predict the effect of missense changes on protein structure and function (PolyPhen-2) suggests that this variant is likely to be disruptive. In summary, the available evidence is currently insufficient to determine the role of this variant in disease. Therefore, it has been classified as a Variant of Uncertain Significance.

NM_020529.3(NFKBIA):c.752A>G (p.Tyr251Cys)

Gene: NFKBIA (NFKB inhibitor alpha; minus strand). Cytogenetic location: 14q13.2.
Variant type: single nucleotide variant.
Coding change: c.752A>G on transcript NM_020529.3 (MANE Select); coding-DNA position 752, A replaced by G.
Protein change: p.Tyr251Cys; replaces tyrosine 251 with cysteine.
Molecular consequence: missense variant.
Genome position (GRCh38, 1-based): chr14:35,402,548, T>C on the plus strand (A>G on the coding strand, the complement: NFKBIA is on the minus strand). VCF-style: chr14-35402548-T-C. GRCh37 (hg19) VCF-style: chr14-35871754-T-C.
Other names: short protein forms Y251C.
Identifiers: ClinVar variation 2141964 (VCV002141964.4), dbSNP rs1185622942, ClinGen allele CA389452176.